The following is an entry in ClinVar:

ClinVar aggregate classification (germline): Uncertain significance (1 of 4 stars; one submission).

gnomAD v4.1: 4 of 1,611,942 alleles (0.00025%); highest among the groups gnomAD compares: African/African-American, 0.0027%; no homozygotes.

Submission:

Labcorp Genetics (formerly Invitae), Labcorp
Classification: Uncertain significance. Last evaluated: 2025-08-18. Review status: criteria provided, single submitter. Criteria: Invitae Variant Classification Sherloc (09022015). Collection method: clinical testing. Allele origin: germline.
Comment: This sequence change replaces valine, which is neutral and non-polar, with methionine, which is neutral and non-polar, at codon 1194 of the ALPK3 protein (p.Val1194Met). This variant is present in population databases (rs771084960, gnomAD 0.002%). This variant has not been reported in the literature in individuals affected with ALPK3-related conditions. Invitae Evidence Modeling of protein sequence and biophysical properties (such as structural, functional, and spatial information, amino acid conservation, physicochemical variation, residue mobility, and thermodynamic stability) indicates that this missense variant is not expected to disrupt ALPK3 protein function with a negative predictive value of 80%. In summary, the available evidence is currently insufficient to determine the role of this variant in disease. Therefore, it has been classified as a Variant of Uncertain Significance.

NM_020778.5(ALPK3):c.2974G>A (p.Val992Met)

Gene: ALPK3 (alpha kinase 3; plus strand). Cytogenetic location: 15q25.3.
Variant type: single nucleotide variant.
Coding change: c.2974G>A on transcript NM_020778.5 (MANE Select); coding-DNA position 2974, G replaced by A.
Protein change: p.Val992Met; replaces valine 992 with methionine.
Molecular consequence: missense variant.
Genome position (GRCh38, 1-based): chr15:84,857,712, G>A. VCF-style: chr15-84857712-G-A. GRCh37 (hg19) VCF-style: chr15-85400943-G-A.
Other names: short protein forms V992M.
Identifiers: ClinVar variation 4743760 (VCV004743760.1).